The following is an entry in ClinVar:

NM_012232.6(CAVIN1):c.1017C>G (p.Thr339=)

Gene: CAVIN1 (caveolae associated protein 1; minus strand). Cytogenetic location: 17q21.2.
Variant type: single nucleotide variant.
Coding change: c.1017C>G on transcript NM_012232.6 (MANE Select); coding-DNA position 1017, C replaced by G.
Protein change: p.Thr339=; no amino-acid change (threonine 339 retained).
Molecular consequence: synonymous variant.
Genome position (GRCh38, 1-based): chr17:42,404,843, G>C on the plus strand (C>G on the coding strand, the complement: CAVIN1 is on the minus strand). VCF-style: chr17-42404843-G-C. GRCh37 (hg19) VCF-style: chr17-40556861-G-C.
Identifiers: ClinVar variation 3571504 (VCV003571504.3).

ClinVar aggregate classification (germline): Likely benign. Review status: criteria provided, multiple submitters, no conflicts (2 of 4 stars). 3 submissions from 3 submitters: Likely benign (3). Last evaluated 2025-12-30.

Conditions:
CAVIN1-related disorder. Also called: CAVIN1-related condition.

gnomAD v4.1: 92 of 1,613,734 alleles (0.0057%); highest among the groups gnomAD compares: Admixed American, 0.1%; no homozygotes.

Submissions (3):

Labcorp Genetics (formerly Invitae), Labcorp
Classification: Likely benign. Last evaluated: 2025-12-30. Review status: criteria provided, single submitter. Criteria: Invitae Variant Classification Sherloc (09022015). Collection method: clinical testing. Allele origin: germline.

PreventionGenetics, part of Exact Sciences
Classification: Likely benign for CAVIN1-related condition. Last evaluated: 2024-10-09. Review status: criteria provided, single submitter. Criteria: ACMG Guidelines, 2015. Collection method: clinical testing. Allele origin: germline.
Comment: This variant is classified as likely benign based on ACMG/AMP sequence variant interpretation guidelines (Richards et al. 2015 PMID: 25741868, with internal and published modifications).

Athena Diagnostics
Classification: Likely benign. Last evaluated: 2023-11-01. Review status: criteria provided, single submitter. Criteria: Athena Diagnostics Criteria. Collection method: clinical testing. Allele origin: unknown.